The following is an entry in ClinVar:

NM_017819.4(TRMT10C):c.595A>G (p.Met199Val)

Gene: TRMT10C (tRNA methyltransferase 10C, mitochondrial RNase P subunit; plus strand). Cytogenetic location: 3q12.3.
Variant type: single nucleotide variant.
Coding change: c.595A>G on transcript NM_017819.4 (MANE Select); coding-DNA position 595, A replaced by G.
Protein change: p.Met199Val; replaces methionine 199 with valine.
Molecular consequence: missense variant.
Genome position (GRCh38, 1-based): chr3:101,565,376, A>G. VCF-style: chr3-101565376-A-G. GRCh37 (hg19) VCF-style: chr3-101284220-A-G.
Other names: short protein forms M199V.
Identifiers: ClinVar variation 3699181 (VCV003699181.2).
Genomic context (GRCh38, chr3:101,565,376, plus strand): 5'-TTTTTACGACTTTGGGATAGGAATATGGACATAGCAATGGGCTGGAAGGGTGCCCAGGCC[A>G]TGCAGTTTGGACAACCTTTGGTTTTTGACATGGCTTACGAAAATTATATGAAACGAAAAG-3'
Protein context (NP_060289.2, residues 189-209): IAMGWKGAQA[Met199Val]QFGQPLVFDM

ClinVar aggregate classification (germline): Uncertain significance (1 of 4 stars; one submission).

Submission:

Labcorp Genetics (formerly Invitae), Labcorp
Classification: Uncertain significance. Last evaluated: 2024-07-29. Review status: criteria provided, single submitter. Criteria: Invitae Variant Classification Sherloc (09022015). Collection method: clinical testing. Allele origin: germline.
Comment: This sequence change replaces methionine, which is neutral and non-polar, with valine, which is neutral and non-polar, at codon 199 of the TRMT10C protein (p.Met199Val). This variant is not present in population databases (gnomAD no frequency). This variant has not been reported in the literature in individuals affected with TRMT10C-related conditions. Advanced modeling of protein sequence and biophysical properties (such as structural, functional, and spatial information, amino acid conservation, physicochemical variation, residue mobility, and thermodynamic stability) performed at Invitae indicates that this missense variant is not expected to disrupt TRMT10C protein function with a negative predictive value of 80%. In summary, the available evidence is currently insufficient to determine the role of this variant in disease. Therefore, it has been classified as a Variant of Uncertain Significance.